The following is an entry in ClinVar:

ClinVar aggregate classification (germline): Uncertain significance (1 of 4 stars; one submission).

Submission:

Ambry Genetics
Classification: Uncertain significance. Last evaluated: 2022-09-10. Review status: criteria provided, single submitter. Criteria: Ambry Variant Classification Scheme 2023. Collection method: clinical testing. Allele origin: germline.
Comment: The p.I214M variant (also known as c.642T>G), located in coding exon 1 of the MLH3 gene, results from a T to G substitution at nucleotide position 642. The isoleucine at codon 214 is replaced by methionine, an amino acid with highly similar properties. This amino acid position is conserved. In addition, this alteration is predicted to be deleterious by in silico analysis. Since supporting evidence is limited at this time, the clinical significance of this alteration remains unclear.

NM_001040108.2(MLH3):c.642T>G (p.Ile214Met)

Gene: MLH3 (mutL homolog 3; minus strand). Cytogenetic location: 14q24.3.
Variant type: single nucleotide variant.
Coding change: c.642T>G on transcript NM_001040108.2 (MANE Select); coding-DNA position 642, T replaced by G.
Protein change: p.Ile214Met; replaces isoleucine 214 with methionine.
Molecular consequence: missense variant.
Genome position (GRCh38, 1-based): chr14:75,049,014, A>C on the plus strand (T>G on the coding strand, the complement: MLH3 is on the minus strand). VCF-style: chr14-75049014-A-C. GRCh37 (hg19) VCF-style: chr14-75515717-A-C.
Other names: c.642T>G, p.Ile214Met (NM_014381.3); short protein forms I214M.
Identifiers: ClinVar variation 1753494 (VCV001753494.2), dbSNP rs2503321390, ClinGen allele CA390449717.